The following is an entry in ClinVar:

ClinVar aggregate classification (germline): Likely benign (1 of 4 stars; one submission).

Allele frequency attached by ClinVar (database versions not stated): gnomAD exomes 0.00014; ExAC 0.00023; gnomAD 0.00024; TOPMed 0.00039; ESP Exome Variant Server 0.00047.
gnomAD v4.1: 207 of 1,210,022 alleles (0.017%); highest among the groups gnomAD compares: Middle Eastern, 0.16%; 1 homozygote.

Submission:

CeGaT Center for Human Genetics Tuebingen
Classification: Likely benign. Last evaluated: 2022-09-01. Review status: criteria provided, single submitter. Criteria: CeGaT Center For Human Genetics Tuebingen Variant Classification Criteria Version 2. Collection method: clinical testing. Allele origin: germline. Affected: yes. Observed: 1 variant allele.
Comment: MXRA5: BP4, BP7

NM_015419.4(MXRA5):c.6804C>T (p.Thr2268=)

Gene: MXRA5 (matrix remodeling associated 5; minus strand). Cytogenetic location: Xp22.33.
Variant type: single nucleotide variant.
Coding change: c.6804C>T on transcript NM_015419.4 (MANE Select); coding-DNA position 6804, C replaced by T.
Protein change: p.Thr2268=; no amino-acid change (threonine 2268 retained).
Molecular consequence: synonymous variant.
Genome position (GRCh38, 1-based): chrX:3,311,399, G>A on the plus strand (C>T on the coding strand, the complement: MXRA5 is on the minus strand). VCF-style: chrX-3311399-G-A. GRCh37 (hg19) VCF-style: chrX-3229440-G-A.
Identifiers: ClinVar variation 2659877 (VCV002659877.24), dbSNP rs137915043, ClinGen allele CA10339528.